The following is an entry in ClinVar:

NM_001298.3(CNGA3):c.147dup (p.Ile50fs)

Gene: CNGA3 (cyclic nucleotide gated channel subunit alpha 3; plus strand). Cytogenetic location: 2q11.2.
Variant type: Duplication.
Coding change: c.147dup on transcript NM_001298.3 (MANE Select); coding-DNA position 147, one base duplicated (G; older notation c.147dupG).
Protein change: p.Ile50fs; shifts the reading frame from isoleucine 50.
Molecular consequence: frameshift variant.
Genome position (GRCh38, 1-based): chr2:98,377,732, G duplicated; the last of 4 consecutive G bases (chr2:98,377,729-98,377,732); duplicating any one gives the same sequence. VCF-style (leftmost placement, unchanged base first): chr2-98377728-C-CG. GRCh37 (hg19) VCF-style: chr2-98994191-C-CG.
Other names: c.147dup, p.Ile50fs (NM_001079878.2); short protein forms I50fs.
Identifiers: ClinVar variation 2203116 (VCV002203116.4), dbSNP rs2466976948, ClinGen allele CA2580068354.

ClinVar aggregate classification (germline): Pathogenic (1 of 4 stars; one submission).

Submission:

Labcorp Genetics (formerly Invitae), Labcorp
Classification: Pathogenic. Last evaluated: 2022-03-31. Review status: criteria provided, single submitter. Criteria: Invitae Variant Classification Sherloc (09022015). Collection method: clinical testing. Allele origin: germline.
Comment: This variant is also known as 148insG. For these reasons, this variant has been classified as Pathogenic. This premature translational stop signal has been observed in individual(s) with CNGA3-related conditions (PMID: 11536077). This variant is not present in population databases (gnomAD no frequency). This sequence change creates a premature translational stop signal (p.Ile50Aspfs*10) in the CNGA3 gene. It is expected to result in an absent or disrupted protein product. Loss-of-function variants in CNGA3 are known to be pathogenic (PMID: 14757870, 24903488, 25637600).

Literature cited by the submitters: PubMed 11536077; PubMed 14757870; PubMed 24903488; PubMed 25637600.